The following is an entry in ClinVar:

ClinVar aggregate classification (germline): Likely benign (1 of 4 stars; one submission).

Submission:

Women's Health and Genetics/Laboratory Corporation of America, LabCorp
Classification: Likely benign. Last evaluated: 2024-04-04. Review status: criteria provided, single submitter. Criteria: LabCorp Variant Classification Summary - May 2015. Collection method: clinical testing. Allele origin: germline.
Comment: Variant summary: NEB c.9864C>A alters a non-conserved nucleotide resulting in a synonymous change. Consensus agreement among computation tools predict no significant impact on normal splicing. However, these predictions have yet to be confirmed by functional studies. The variant was absent in 249098 control chromosomes. The available data on variant occurrences in the general population are insufficient to allow any conclusion about variant significance. To our knowledge, no occurrence of c.9864C>A in individuals affected with Nemaline Myopathy 2 and no experimental evidence demonstrating its impact on protein function have been reported. No submitters have cited clinical-significance assessments for this variant to ClinVar. Based on the evidence outlined above, the variant was classified as likely benign.

NM_001164508.2(NEB):c.9864C>A (p.Leu3288=)

Gene: NEB (nebulin; minus strand). Cytogenetic location: 2q23.3.
Variant type: single nucleotide variant.
Coding change: c.9864C>A on transcript NM_001164508.2 (MANE Select); coding-DNA position 9864, C replaced by A.
Protein change: p.Leu3288=; no amino-acid change (leucine 3288 retained).
Molecular consequence: synonymous variant.
Genome position (GRCh38, 1-based): chr2:151,627,802, G>T on the plus strand (C>A on the coding strand, the complement: NEB is on the minus strand). VCF-style: chr2-151627802-G-T. GRCh37 (hg19) VCF-style: chr2-152484316-G-T.
Other names: c.9864C>A, p.Leu3288= (NM_001164507.2, NM_001271208.2); c.9135C>A, p.Leu3045= (NM_004543.5).
Identifiers: ClinVar variation 3251535 (VCV003251535.1), dbSNP rs775810612.